The following is an entry in ClinVar:

NM_006940.6(SOX5):c.621C>A (p.Asn207Lys)

Gene: SOX5 (SRY-box transcription factor 5; minus strand). Cytogenetic location: 12p12.1.
Variant type: single nucleotide variant.
Coding change: c.621C>A on transcript NM_006940.6 (MANE Select); coding-DNA position 621, C replaced by A.
Protein change: p.Asn207Lys; replaces asparagine 207 with lysine.
Molecular consequence: missense variant.
Genome position (GRCh38, 1-based): chr12:23,740,987, G>T on the plus strand (C>A on the coding strand, the complement: SOX5 is on the minus strand). VCF-style: chr12-23740987-G-T. GRCh37 (hg19) VCF-style: chr12-23893921-G-T.
Other names: c.582C>A, p.Asn194Lys (NM_001261414.3, NM_152989.5); c.591C>A, p.Asn197Lys (NM_001261415.3); c.516C>A, p.Asn172Lys (NM_001330785.2); short protein forms N172K, N194K, N197K, N207K.
Identifiers: ClinVar variation 5037348 (VCV005037348.1).

ClinVar aggregate classification (germline): Uncertain significance (1 of 4 stars; one submission).

Submission:

GeneDx
Classification: Uncertain significance. Last evaluated: 2026-04-26. Review status: criteria provided, single submitter. Criteria: GeneDx Variant Classification Process June 2021. Collection method: clinical testing. Allele origin: germline.
Comment: Not observed at significant frequency in large population cohorts (gnomAD); In silico analysis supports that this missense variant has a deleterious effect on protein structure/function; Has not been previously published as pathogenic or benign to our knowledge